The following is an entry in ClinVar:

ClinVar aggregate classification (germline): Likely benign (1 of 4 stars; one submission).

Conditions:
Ellis-van Creveld syndrome (EVC). Also called: EVC-Related Ellis-van Creveld Syndrome; EVC2-Related Ellis-van Creveld Syndrome; MESOECTODERMAL DYSPLASIA; Chondroectodermal dysplasia. Identifiers: Orphanet 289, MedGen C0013903, MONDO:0009162, OMIM 225500.

Allele frequency attached by ClinVar (database versions not stated): gnomAD 0.00444 and 0.00484; TOPMed 0.00520; 1000 Genomes Project 30x 0.00547; 1000 Genomes Project 0.00579.

Submission:

Illumina Laboratory Services, Illumina
Classification: Likely benign for Ellis-van Creveld syndrome. Last evaluated: 2018-01-13. Review status: criteria provided, single submitter. Criteria: ICSL Variant Classification Criteria 13 December 2019. Collection method: clinical testing. Allele origin: germline.
Comment: This variant was observed in the ICSL laboratory as part of a predisposition screen in an ostensibly healthy population. It had not been previously curated by ICSL or reported in the Human Gene Mutation Database (HGMD: prior to June 1st, 2018), and was therefore a candidate for classification through an automated scoring system. Utilizing variant allele frequency, disease prevalence and penetrance estimates, and inheritance mode, an automated score was calculated to assess if this variant is too frequent to cause the disease. Based on the score and internal cut-off values, a variant classified as likely benign is not then subjected to further curation. The score for this variant resulted in a classification of likely benign for this disease.

NM_153717.3(EVC):c.*2126T>G

Gene: EVC (EvC ciliary complex subunit 1; plus strand). Cytogenetic location: 4p16.2.
Variant type: single nucleotide variant.
Coding change: c.*2126T>G on transcript NM_153717.3 (MANE Select); 2126 bases downstream of the stop codon, T replaced by G.
Molecular consequence: 3 prime UTR variant.
Genome position (GRCh38, 1-based): chr4:5,813,163, T>G. VCF-style: chr4-5813163-T-G. GRCh37 (hg19) VCF-style: chr4-5814890-T-G.
Other names: c.*2126T>G (NM_001306090.2).
Identifiers: ClinVar variation 349264 (VCV000349264.5), dbSNP rs191415414, ClinGen allele CA10618975.
Genomic context (GRCh38, chr4:5,813,163, plus strand): 5'-CCAGTGGGCTCTCCAAAGTTAACCAACAGCTCCCTCTTGTGGTTCACTAAAAAACTTGGT[T>G]ATTCCATGGAGTTGTGCAAAGCTATGGCTTCCTTGGTGCAATATTCTTAAAACCTGCTTT-3'